The following is an entry in ClinVar:

NM_199242.3(UNC13D):c.1953_1959del (p.Asp651fs)

Gene: UNC13D (unc-13 homolog D; minus strand). Cytogenetic location: 17q25.1.
Variant type: Deletion.
Coding change: c.1953_1959del on transcript NM_199242.3 (MANE Select); coding-DNA positions 1953 to 1959, 7 bases deleted (CCCAGAG; older notation c.1953_1959delCCCAGAG).
Protein change: p.Asp651fs; shifts the reading frame from aspartic acid 651.
Molecular consequence: frameshift variant.
Genome position (GRCh38, 1-based): chr17:75,834,953-75,834,959, CTCTGGG deleted on the plus strand (CCCAGAG on the coding strand, the reverse complement: UNC13D is on the minus strand). VCF-style (leftmost placement, unchanged base first): chr17-75834952-CCTCTGGG-C. GRCh37 (hg19) VCF-style: chr17-73831033-CCTCTGGG-C.
Other names: short protein forms D651fs.
Identifiers: ClinVar variation 2103306 (VCV002103306.4), dbSNP rs2545980665, ClinGen allele CA2580095164.

ClinVar aggregate classification (germline): Pathogenic (1 of 4 stars; one submission).

Conditions:
Familial hemophagocytic lymphohistiocytosis 3 (FHL3). Also called: UNC13D-Related Familial Hemophagocytic Lymphohistiocytosis (UNC13D-fHLH). Identifiers: Orphanet 540, MedGen C1837174, MONDO:0012146, OMIM 608898.

Submission:

Labcorp Genetics (formerly Invitae), Labcorp
Classification: Pathogenic for Familial hemophagocytic lymphohistiocytosis 3. Last evaluated: 2022-02-25. Review status: criteria provided, single submitter. Criteria: Invitae Variant Classification Sherloc (09022015). Collection method: clinical testing. Allele origin: germline.
Comment: For these reasons, this variant has been classified as Pathogenic. This variant has not been reported in the literature in individuals affected with UNC13D-related conditions. This variant is not present in population databases (gnomAD no frequency). This sequence change creates a premature translational stop signal (p.Asp651Glufs*5) in the UNC13D gene. It is expected to result in an absent or disrupted protein product. Loss-of-function variants in UNC13D are known to be pathogenic (PMID: 14622600).

Literature cited by the submitters: PubMed 14622600.